The following is an entry in ClinVar:

ClinVar aggregate classification (germline): Uncertain significance (1 of 4 stars; one submission).

Submission:

GeneDx
Classification: Uncertain significance. Last evaluated: 2025-04-22. Review status: criteria provided, single submitter. Criteria: GeneDx Variant Classification Process June 2021. Collection method: clinical testing. Allele origin: germline. Affected: yes.
Comment: Not observed at significant frequency in large population cohorts (gnomAD); Nonsense variant predicted to result in protein truncation or nonsense mediated decay in a gene or region of a gene for which loss of function is not a well-established mechanism of disease; Has not been previously published as pathogenic or benign to our knowledge

NM_001373.1:c.8462G>A

Gene: DNAH14 (dynein axonemal heavy chain 14; plus strand).
Variant type: single nucleotide variant.
Identifiers: ClinVar variation 4527176 (VCV004527176.1).